The following is an entry in ClinVar:

ClinVar aggregate classification (germline): Likely benign (1 of 4 stars; one submission).

Conditions:
Hypertrophic cardiomyopathy. Also called: HYPERTROPHIC MYOCARDIOPATHY. Identifiers: Orphanet 217569, MedGen C0007194, MeSH D002312, MONDO:0005045, HP:0001639.

gnomAD v4.1: 2 of 1,612,018 alleles (0.00012%); no homozygotes.

Submission:

All of Us Research Program, National Institutes of Health
Classification: Likely benign for Hypertrophic cardiomyopathy. Last evaluated: 2024-07-20. Review status: criteria provided, single submitter. Criteria: ACMG Guidelines, 2015. Collection method: clinical testing. Allele origin: germline. Inheritance: Autosomal dominant inheritance. Observed: 1 variant allele, 1 heterozygote.
Comment: This study involves interpretation of variants in research participants for the purpose of population health screening. Participant phenotype was not available at the time of variant classification. Additional details can be found in publication PMID: 35346344, PMCID: PMC8962531

NM_005159.5(ACTC1):c.991-15G>A

Genes: ACTC1 (actin alpha cardiac muscle 1; minus strand), GJD2-DT (GJD2 divergent transcript; plus strand). Cytogenetic location: 15q14.
Variant type: single nucleotide variant.
Coding change: c.991-15G>A on transcript NM_005159.5 (MANE Select); 15 bases into the intron before coding-DNA position 991, G replaced by A.
Molecular consequence: intron variant.
Genome position (GRCh38, 1-based): chr15:34,790,570, C>T on the plus strand (G>A on the coding strand, the complement: ACTC1 is on the minus strand). VCF-style: chr15-34790570-C-T. GRCh37 (hg19) VCF-style: chr15-35082771-C-T.
Other names: c.991-15G>A (NM_001406483.1, NM_001406482.1); c.550-15G>A (NM_001406485.1); c.856-15G>A (NM_001406484.1).
Identifiers: ClinVar variation 3386818 (VCV003386818.1).
Genomic context (GRCh38, chr15:34,790,570, plus strand): 5'-AGCCCCCAATCCAGACAGAGTATTTACGCTCAGGGGGAGCAATAATCTGCAGAAAGAAAA[C>T]AAAAACTTCCAGTGAACTCTGAAGTTCCAAGCAAGGGAGCAAATAACACATTGGGAGGAT-3'